The following is an entry in ClinVar:

ClinVar aggregate classification (germline): Uncertain significance (1 of 4 stars; one submission).

Submission:

Labcorp Genetics (formerly Invitae), Labcorp
Classification: Uncertain significance. Last evaluated: 2021-05-03. Review status: criteria provided, single submitter. Criteria: Invitae Variant Classification Sherloc (09022015). Collection method: clinical testing. Allele origin: germline.
Comment: In summary, the available evidence is currently insufficient to determine the role of this variant in disease. Therefore, it has been classified as a Variant of Uncertain Significance. This sequence change replaces threonine with isoleucine at codon 158 of the SAG protein (p.Thr158Ile). The threonine residue is weakly conserved and there is a moderate physicochemical difference between threonine and isoleucine. This variant is not present in population databases (ExAC no frequency). This variant has not been reported in the literature in individuals with SAG-related conditions. Algorithms developed to predict the effect of missense changes on protein structure and function are either unavailable or do not agree on the potential impact of this missense change (SIFT: "Deleterious"; PolyPhen-2: "Benign"; Align-GVGD: "Class C0").

NM_000541.5(SAG):c.473C>T (p.Thr158Ile)

Gene: SAG (S-antigen visual arrestin; plus strand). Cytogenetic location: 2q37.1.
Variant type: single nucleotide variant.
Coding change: c.473C>T on transcript NM_000541.5 (MANE Select); coding-DNA position 473, C replaced by T.
Protein change: p.Thr158Ile; replaces threonine 158 with isoleucine.
Molecular consequence: missense variant.
Genome position (GRCh38, 1-based): chr2:233,327,158, C>T. VCF-style: chr2-233327158-C-T. GRCh37 (hg19) VCF-style: chr2-234235804-C-T.
Other names: short protein forms T158I.
Identifiers: ClinVar variation 1493237 (VCV001493237.8), dbSNP rs199537652, ClinGen allele CA351047197.
Genomic context (GRCh38, chr2:233,327,158, plus strand): 5'-TGTCTGCTCTCTCTCCCCAACAGTCCTGTGGGGTTGACTTTGAGGTCAAAGCATTCGCCA[C>T]AGACAGCACCGATGCCGAAGAGGACAAAATCCCCAAGAAGTAAGAGTATGGTTGCGGAAT-3'
Protein context (NP_000532.2, residues 148-168): GVDFEVKAFA[Thr158Ile]DSTDAEEDKI